The following is an entry in ClinVar:

NM_001854.4(COL11A1):c.4436A>G (p.Gln1479Arg)

Gene: COL11A1 (collagen type XI alpha 1 chain; minus strand). Cytogenetic location: 1p21.1.
Variant type: single nucleotide variant.
Coding change: c.4436A>G on transcript NM_001854.4 (MANE Select); coding-DNA position 4436, A replaced by G.
Protein change: p.Gln1479Arg; replaces glutamine 1479 with arginine.
Molecular consequence: missense variant. On other transcripts: non-coding transcript variant (1).
Genome position (GRCh38, 1-based): chr1:102,889,483, T>C on the plus strand (A>G on the coding strand, the complement: COL11A1 is on the minus strand). VCF-style: chr1-102889483-T-C. GRCh37 (hg19) VCF-style: chr1-103355039-T-C.
Other names: c.4088A>G, p.Gln1363Arg (NM_001168249.1, NM_080630.4); c.4319A>G, p.Gln1440Arg (NM_001190709.2); c.4472A>G, p.Gln1491Arg (NM_080629.3); short protein forms Q1491R, Q1363R, Q1440R, Q1479R.
Identifiers: ClinVar variation 1979750 (VCV001979750.4), dbSNP rs765257116, ClinGen allele CA973544.

ClinVar aggregate classification (germline): Uncertain significance (1 of 4 stars; one submission).

Allele frequency attached by ClinVar (database versions not stated): gnomAD exomes below 0.00001; ExAC 0.00001.
gnomAD v4.1: 4 of 1,613,554 alleles (0.00025%); highest among the groups gnomAD compares: Non-Finnish European, 0.00034%; no homozygotes.

Submission:

Labcorp Genetics (formerly Invitae), Labcorp
Classification: Uncertain significance. Last evaluated: 2023-03-17. Review status: criteria provided, single submitter. Criteria: Invitae Variant Classification Sherloc (09022015). Collection method: clinical testing. Allele origin: germline.
Comment: This sequence change replaces glutamine, which is neutral and polar, with arginine, which is basic and polar, at codon 1479 of the COL11A1 protein (p.Gln1479Arg). This variant is present in population databases (rs765257116, gnomAD 0.0009%). This variant has not been reported in the literature in individuals affected with COL11A1-related conditions. ClinVar contains an entry for this variant (Variation ID: 1979750). Advanced modeling of protein sequence and biophysical properties (such as structural, functional, and spatial information, amino acid conservation, physicochemical variation, residue mobility, and thermodynamic stability) performed at Invitae indicates that this missense variant is not expected to disrupt COL11A1 protein function. In summary, the available evidence is currently insufficient to determine the role of this variant in disease. Therefore, it has been classified as a Variant of Uncertain Significance.